The following is an entry in ClinVar:

ClinVar aggregate classification (germline): Uncertain significance. Review status: criteria provided, multiple submitters, no conflicts (2 of 4 stars). 2 submissions from 2 submitters: Uncertain significance (2). Last evaluated 2025-03-13.

Conditions:
Inborn genetic diseases. Identifiers: MedGen C0950123, MeSH D030342.

Submissions (2):

Labcorp Genetics (formerly Invitae), Labcorp
Classification: Uncertain significance. Last evaluated: 2025-03-13. Review status: criteria provided, single submitter. Criteria: Invitae Variant Classification Sherloc (09022015). Collection method: clinical testing. Allele origin: germline.
Comment: This sequence change replaces isoleucine, which is neutral and non-polar, with phenylalanine, which is neutral and non-polar, at codon 388 of the ERCC2 protein (p.Ile388Phe). This variant is not present in population databases (gnomAD no frequency). This variant has not been reported in the literature in individuals affected with ERCC2-related conditions. ClinVar contains an entry for this variant (Variation ID: 1737142). Invitae Evidence Modeling of protein sequence and biophysical properties (such as structural, functional, and spatial information, amino acid conservation, physicochemical variation, residue mobility, and thermodynamic stability) indicates that this missense variant is not expected to disrupt ERCC2 protein function with a negative predictive value of 80%. In summary, the available evidence is currently insufficient to determine the role of this variant in disease. Therefore, it has been classified as a Variant of Uncertain Significance.

Ambry Genetics
Classification: Uncertain significance for Inborn genetic diseases. Last evaluated: 2023-12-10. Review status: criteria provided, single submitter. Criteria: Ambry Variant Classification Scheme 2023. Collection method: clinical testing. Allele origin: germline.
Comment: The p.I388F variant (also known as c.1162A>T), located in coding exon 12 of the ERCC2 gene, results from an A to T substitution at nucleotide position 1162. The isoleucine at codon 388 is replaced by phenylalanine, an amino acid with highly similar properties. This amino acid position is conserved. In addition, the in silico prediction for this alteration is inconclusive. Since supporting evidence is limited at this time, the clinical significance of this alteration remains unclear.

NM_000400.4(ERCC2):c.1162A>T (p.Ile388Phe)

Gene: ERCC2 (ERCC excision repair 2, TFIIH core complex helicase subunit; minus strand). Cytogenetic location: 19q13.32.
Variant type: single nucleotide variant.
Coding change: c.1162A>T on transcript NM_000400.4 (MANE Select); coding-DNA position 1162, A replaced by T.
Protein change: p.Ile388Phe; replaces isoleucine 388 with phenylalanine.
Molecular consequence: missense variant.
Genome position (GRCh38, 1-based): chr19:45,361,599, T>A on the plus strand (A>T on the coding strand, the complement: ERCC2 is on the minus strand). VCF-style: chr19-45361599-T-A. GRCh37 (hg19) VCF-style: chr19-45864857-T-A.
Other names: c.1090A>T, p.Ile364Phe (NM_001130867.2); short protein forms I364F, I388F.
Identifiers: ClinVar variation 1737142 (VCV001737142.3), dbSNP rs2514023442, ClinGen allele CA406370031.